The following is an entry in ClinVar:

NM_015425.6(POLR1A):c.3810C>T (p.Asn1270=)

Genes: POLR1A (RNA polymerase I subunit A; minus strand), LOC106783498 (conserved acetylation island sequence 34 enhancer; plus strand). Cytogenetic location: 2p11.2.
Variant type: single nucleotide variant.
Coding change: c.3810C>T on transcript NM_015425.6 (MANE Select); coding-DNA position 3810, C replaced by T.
Protein change: p.Asn1270=; no amino-acid change (asparagine 1270 retained).
Molecular consequence: synonymous variant.
Genome position (GRCh38, 1-based): chr2:86,039,393, G>A on the plus strand (C>T on the coding strand, the complement: POLR1A is on the minus strand). VCF-style: chr2-86039393-G-A. GRCh37 (hg19) VCF-style: chr2-86266516-G-A.
Identifiers: ClinVar variation 3054505 (VCV003054505.2), dbSNP rs1413174638, ClinGen allele CA427148109.
Genomic context (GRCh38, chr2:86,039,393, plus strand): 5'-CAAGCACACCCTGGTGAGTTGCTTCTTCAGGCTTTTCACTCTCTTCAGGGCTTTCTTGGT[G>A]TTGAGCACGGGCACGCTCATCATGGGTGTCTTGATGTTGGCGCTGGCCACCATGAGAATC-3'
Protein context (NP_056240.2, residues 1260-1280): KTPMMSVPVL[Asn1270=]TKKALKRVKS

ClinVar aggregate classification (germline): Likely benign (0 of 4 stars; one submission).

Conditions:
POLR1A-related disorder. Also called: POLR1A-related condition.

Allele frequency attached by ClinVar (database versions not stated): gnomAD 0.00001; TOPMed 0.00001; gnomAD exomes 0.00002.
gnomAD v4.1: 25 of 1,614,046 alleles (0.0015%); highest among the groups gnomAD compares: Non-Finnish European, 0.002%; no homozygotes.

Submission:

PreventionGenetics, part of Exact Sciences
Classification: Likely benign for POLR1A-related condition. Last evaluated: 2020-04-24. Review status: no assertion criteria provided. Collection method: clinical testing. Allele origin: germline.
Comment: This variant is classified as likely benign based on ACMG/AMP sequence variant interpretation guidelines (Richards et al. 2015 PMID: 25741868, with internal and published modifications).